The following is an entry in ClinVar:

ClinVar aggregate classification (germline): Conflicting classifications of pathogenicity. Review status: criteria provided, conflicting classifications (1 of 4 stars). 2 submissions from 2 submitters: Uncertain significance (1); Likely benign (1). Last evaluated 2025-01-27.

Conditions:
ROBO4-related disorder. Also called: ROBO4-related condition.

Allele frequency attached by ClinVar (database versions not stated): ExAC 0.00008; ESP Exome Variant Server 0.00008.
gnomAD v4.1: 56 of 1,548,316 alleles (0.0036%); highest among the groups gnomAD compares: East Asian, 0.095%; no homozygotes.

Submissions (2):

PreventionGenetics, part of Exact Sciences
Classification: Likely benign for ROBO4-related condition. Last evaluated: 2025-01-27. Review status: criteria provided, single submitter. Criteria: ACMG Guidelines, 2015. Collection method: clinical testing. Allele origin: germline.
Comment: This variant is classified as likely benign based on ACMG/AMP sequence variant interpretation guidelines (Richards et al. 2015 PMID: 25741868, with internal and published modifications).

Ambry Genetics
Classification: Uncertain significance. Last evaluated: 2024-01-31. Review status: criteria provided, single submitter. Criteria: Ambry Variant Classification Scheme 2023. Collection method: clinical testing. Allele origin: germline.

NM_019055.6(ROBO4):c.1886G>A (p.Gly629Glu)

Gene: ROBO4 (roundabout guidance receptor 4; minus strand). Cytogenetic location: 11q24.2.
Variant type: single nucleotide variant.
Coding change: c.1886G>A on transcript NM_019055.6 (MANE Select); coding-DNA position 1886, G replaced by A.
Protein change: p.Gly629Glu; replaces glycine 629 with glutamic acid.
Molecular consequence: missense variant.
Genome position (GRCh38, 1-based): chr11:124,891,361, C>T on the plus strand (G>A on the coding strand, the complement: ROBO4 is on the minus strand). VCF-style: chr11-124891361-C-T. GRCh37 (hg19) VCF-style: chr11-124761257-C-T.
Other names: c.1451G>A, p.Gly484Glu (NM_001301088.2); short protein forms G484E, G629E.
Identifiers: ClinVar variation 3155651 (VCV003155651.2), dbSNP rs372455722, ClinGen allele CA6344788.